The following is an entry in ClinVar:

NM_000552.5(VWF):c.2302C>T (p.Arg768Trp)

Gene: VWF (von Willebrand factor; minus strand). Cytogenetic location: 12p13.31.
Variant type: single nucleotide variant.
Coding change: c.2302C>T on transcript NM_000552.5 (MANE Select); coding-DNA position 2302, C replaced by T.
Protein change: p.Arg768Trp; replaces arginine 768 with tryptophan.
Molecular consequence: missense variant.
Genome position (GRCh38, 1-based): chr12:6,044,431, G>A on the plus strand (C>T on the coding strand, the complement: VWF is on the minus strand). VCF-style: chr12-6044431-G-A. GRCh37 (hg19) VCF-style: chr12-6153597-G-A.
Other names: short protein forms R768W.
Identifiers: ClinVar variation 4687375 (VCV004687375.1).

ClinVar aggregate classification (germline): Uncertain significance (1 of 4 stars; one submission).

gnomAD v4.1: 18 of 1,614,142 alleles (0.0011%); highest among the groups gnomAD compares: Non-Finnish European, 0.0013%; no homozygotes.

Submission:

Women's Health and Genetics/Laboratory Corporation of America, LabCorp
Classification: Uncertain significance. Last evaluated: 2025-10-10. Review status: criteria provided, single submitter. Criteria: LabCorp Variant Classification Summary - May 2015. Collection method: clinical testing. Allele origin: germline.
Comment: Variant summary: VWF c.2302C>T (p.Arg768Trp) results in a non-conservative amino acid change in the encoded protein sequence. Algorithms developed to predict the effect of missense changes on protein structure and function are either unavailable or do not agree on the potential impact of this missense change. The variant allele was found at a frequency of 8e-06 in 251172 control chromosomes. The available data on variant occurrences in the general population are insufficient to allow any conclusion about variant significance. To our knowledge, no occurrence of c.2302C>T in individuals affected with VWF-related conditions and no experimental evidence demonstrating its impact on protein function have been reported. The following publication has been ascertained in the context of this evaluation (PMID: 33424085). No submitters have cited clinical-significance assessments for this variant to ClinVar. Based on the evidence outlined above, the variant was classified as uncertain significance.

Literature cited by the submitters: PubMed 33424085.